The following is an entry in ClinVar:

ClinVar aggregate classification (germline): Uncertain significance (1 of 4 stars; one submission).

Conditions:
Rhabdoid tumor predisposition syndrome 2 (RTPS2). Identifiers: Orphanet 231108, Orphanet 69077, MedGen C2750074, MONDO:0013224, OMIM 613325.

Submission:

Labcorp Genetics (formerly Invitae), Labcorp
Classification: Uncertain significance for Rhabdoid tumor predisposition syndrome 2. Last evaluated: 2019-05-16. Review status: criteria provided, single submitter. Criteria: Invitae Variant Classification Sherloc (09022015). Collection method: clinical testing. Allele origin: germline.
Comment: In summary, the available evidence is currently insufficient to determine the role of this variant in disease. Therefore, it has been classified as a Variant of Uncertain Significance. Algorithms developed to predict the effect of missense changes on protein structure and function (SIFT, PolyPhen-2, Align-GVGD) all suggest that this variant is likely to be tolerated, but these predictions have not been confirmed by published functional studies and their clinical significance is uncertain. This variant has not been reported in the literature in individuals with SMARCA4-related conditions. This variant is not present in population databases (ExAC no frequency). This sequence change replaces proline with serine at codon 597 of the SMARCA4 protein (p.Pro597Ser). The proline residue is highly conserved and there is a moderate physicochemical difference between proline and serine.

NM_003072.5(SMARCA4):c.1789C>T (p.Pro597Ser)

Gene: SMARCA4 (SWI/SNF related BAF chromatin remodeling complex subunit ATPase 4; plus strand). Cytogenetic location: 19p13.2.
Variant type: single nucleotide variant.
Coding change: c.1789C>T on transcript NM_003072.5 (MANE Select); coding-DNA position 1789, C replaced by T.
Protein change: p.Pro597Ser; replaces proline 597 with serine.
Molecular consequence: missense variant. On other transcripts: non-coding transcript variant (1).
Genome position (GRCh38, 1-based): chr19:10,996,521, C>T. VCF-style: chr19-10996521-C-T. GRCh37 (hg19) VCF-style: chr19-11107197-C-T.
Other names: c.1789C>T, p.Pro597Ser (NM_001128844.3, NM_001128845.2, NM_001128846.2 and 4 more transcripts); short protein forms P597S.
Identifiers: ClinVar variation 942506 (VCV000942506.9), dbSNP rs1060502097, ClinGen allele CA404064818.